The following is an entry in ClinVar:

ClinVar aggregate classification (germline): Uncertain significance (1 of 4 stars; one submission).

Conditions:
Alagille syndrome due to a NOTCH2 point mutation. Also called: Alagille syndrome 2. Identifiers: Orphanet 261629, Orphanet 52, MedGen C1857761, MONDO:0012439, OMIM 610205.

Submission:

MVZ Medizinische Genetik Mainz
Classification: Uncertain significance for Alagille syndrome due to a NOTCH2 point mutation. Last evaluated: 2026-05-12. Review status: criteria provided, single submitter. Criteria: UK Practice Guidelines For Variant Classification V4 01 2020. Collection method: clinical testing. Allele origin: germline. Inheritance: Autosomal dominant inheritance. Affected: yes. Observed: 1 variant allele.
Comment: ACMG Criteria: PM2_SUP,PP2,PP3

NM_024408.4(NOTCH2):c.1276C>T (p.Pro426Ser)

Gene: NOTCH2 (notch receptor 2; minus strand). Cytogenetic location: 1p12.
Variant type: single nucleotide variant.
Coding change: c.1276C>T on transcript NM_024408.4 (MANE Select); coding-DNA position 1276, C replaced by T.
Protein change: p.Pro426Ser; replaces proline 426 with serine.
Molecular consequence: missense variant.
Genome position (GRCh38, 1-based): chr1:119,967,610, G>A on the plus strand (C>T on the coding strand, the complement: NOTCH2 is on the minus strand). VCF-style: chr1-119967610-G-A. GRCh37 (hg19) VCF-style: chr1-120510233-G-A.
Other names: c.1276C>T, p.Pro426Ser (NM_001200001.2); short protein forms P426S.
Identifiers: ClinVar variation 4852365 (VCV004852365.1).